The following is an entry in ClinVar:

ClinVar aggregate classification (germline): Uncertain significance (1 of 4 stars; one submission).

Submission:

Ambry Genetics
Classification: Uncertain significance. Last evaluated: 2022-03-30. Review status: criteria provided, single submitter. Criteria: Ambry Variant Classification Scheme 2023. Collection method: clinical testing. Allele origin: germline.
Comment: The p.N151K variant (also known as c.453C>G), located in coding exon 1 of the PALLD gene, results from a C to G substitution at nucleotide position 453. The asparagine at codon 151 is replaced by lysine, an amino acid with similar properties. This amino acid position is conserved. In addition, this alteration is predicted to be tolerated by in silico analysis. Since supporting evidence is limited at this time, the clinical significance of this alteration remains unclear.

NM_001166108.2(PALLD):c.453C>G (p.Asn151Lys)

Gene: PALLD (palladin, cytoskeletal associated protein; plus strand). Cytogenetic location: 4q32.3.
Variant type: single nucleotide variant.
Coding change: c.453C>G on transcript NM_001166108.2 (MANE Select); coding-DNA position 453, C replaced by G.
Protein change: p.Asn151Lys; replaces asparagine 151 with lysine.
Molecular consequence: missense variant.
Genome position (GRCh38, 1-based): chr4:168,511,957, C>G. VCF-style: chr4-168511957-C-G. GRCh37 (hg19) VCF-style: chr4-169433108-C-G.
Other names: c.453C>G, p.Asn151Lys (NM_016081.4); short protein forms N151K.
Identifiers: ClinVar variation 1741322 (VCV001741322.2), dbSNP rs143682790, ClinGen allele CA358726058.